The following is an entry in ClinVar:

NM_020821.3(VPS13C):c.10111A>C (p.Thr3371Pro)

Gene: VPS13C (vacuolar protein sorting 13 homolog C; minus strand). Cytogenetic location: 15q22.2.
Variant type: single nucleotide variant.
Coding change: c.10111A>C on transcript NM_020821.3 (MANE Select); coding-DNA position 10111, A replaced by C.
Protein change: p.Thr3371Pro; replaces threonine 3371 with proline.
Molecular consequence: missense variant.
Genome position (GRCh38, 1-based): chr15:61,878,638, T>G on the plus strand (A>C on the coding strand, the complement: VPS13C is on the minus strand). VCF-style: chr15-61878638-T-G. GRCh37 (hg19) VCF-style: chr15-62170837-T-G.
Other names: c.9982A>C, p.Thr3328Pro (NM_018080.4, NM_017684.5); c.10111A>C, p.Thr3371Pro (NM_001018088.3); short protein forms T3328P, T3371P.
Identifiers: ClinVar variation 2968524 (VCV002968524.3), dbSNP rs1184295998, ClinGen allele CA392672066.

ClinVar aggregate classification (germline): Uncertain significance (1 of 4 stars; one submission).

gnomAD v4.1: 13 of 1,611,374 alleles (0.00081%); highest among the groups gnomAD compares: Non-Finnish European, 0.0011%; no homozygotes.

Submission:

Labcorp Genetics (formerly Invitae), Labcorp
Classification: Uncertain significance. Last evaluated: 2023-12-11. Review status: criteria provided, single submitter. Criteria: Invitae Variant Classification Sherloc (09022015). Collection method: clinical testing. Allele origin: germline.
Comment: This sequence change replaces threonine, which is neutral and polar, with proline, which is neutral and non-polar, at codon 3371 of the VPS13C protein (p.Thr3371Pro). This variant is not present in population databases (gnomAD no frequency). This variant has not been reported in the literature in individuals affected with VPS13C-related conditions. Advanced modeling of protein sequence and biophysical properties (such as structural, functional, and spatial information, amino acid conservation, physicochemical variation, residue mobility, and thermodynamic stability) performed at Invitae indicates that this missense variant is expected to disrupt VPS13C protein function with a positive predictive value of 80%. In summary, the available evidence is currently insufficient to determine the role of this variant in disease. Therefore, it has been classified as a Variant of Uncertain Significance.